The following is an entry in ClinVar:

ClinVar aggregate classification (germline): Uncertain significance (1 of 4 stars; one submission).

Submission:

Labcorp Genetics (formerly Invitae), Labcorp
Classification: Uncertain significance. Last evaluated: 2025-10-04. Review status: criteria provided, single submitter. Criteria: Invitae Variant Classification Sherloc (09022015). Collection method: clinical testing. Allele origin: germline.
Comment: This sequence change replaces glutamic acid, which is acidic and polar, with valine, which is neutral and non-polar, at codon 4689 of the HERC1 protein (p.Glu4689Val). This variant is not present in population databases (gnomAD no frequency). This variant has not been reported in the literature in individuals affected with HERC1-related conditions. Invitae Evidence Modeling of protein sequence and biophysical properties (such as structural, functional, and spatial information, amino acid conservation, physicochemical variation, residue mobility, and thermodynamic stability) indicates that this missense variant is not expected to disrupt HERC1 protein function with a negative predictive value of 80%. In summary, the available evidence is currently insufficient to determine the role of this variant in disease. Therefore, it has been classified as a Variant of Uncertain Significance.

NM_003922.4(HERC1):c.14066A>T (p.Glu4689Val)

Gene: HERC1 (HECT and RLD domain containing E3 ubiquitin protein ligase family member 1; minus strand). Cytogenetic location: 15q22.31.
Variant type: single nucleotide variant.
Coding change: c.14066A>T on transcript NM_003922.4 (MANE Select); coding-DNA position 14066, A replaced by T.
Protein change: p.Glu4689Val; replaces glutamic acid 4689 with valine.
Molecular consequence: missense variant.
Genome position (GRCh38, 1-based): chr15:63,615,796, T>A on the plus strand (A>T on the coding strand, the complement: HERC1 is on the minus strand). VCF-style: chr15-63615796-T-A. GRCh37 (hg19) VCF-style: chr15-63907995-T-A.
Other names: short protein forms E4689V.
Identifiers: ClinVar variation 4744958 (VCV004744958.1).
Genomic context (GRCh38, chr15:63,615,796, plus strand): 5'-TCATGTGTACCTCCCGAGATGTTTCATCTCACCTGTCTGTCCATCTCATGAAGTCGATAT[T>A]CAATGGCCCTCTCCACATATTCCTTCCTGTTGGAAAATGTGAGTGGGATACTATTTCCAC-3'
Protein context (NP_003913.3, residues 4679-4699): NRKEYVERAI[Glu4689Val]YRLHEMDRQV